The following is an entry in ClinVar:

NM_000094.4(COL7A1):c.4105G>A (p.Asp1369Asn)

Gene: COL7A1 (collagen type VII alpha 1 chain; minus strand). Cytogenetic location: 3p21.31.
Variant type: single nucleotide variant.
Coding change: c.4105G>A on transcript NM_000094.4 (MANE Select); coding-DNA position 4105, G replaced by A.
Protein change: p.Asp1369Asn; replaces aspartic acid 1369 with asparagine.
Molecular consequence: missense variant.
Genome position (GRCh38, 1-based): chr3:48,584,499, C>T on the plus strand (G>A on the coding strand, the complement: COL7A1 is on the minus strand). VCF-style: chr3-48584499-C-T. GRCh37 (hg19) VCF-style: chr3-48621932-C-T.
Other names: short protein forms D1369N.
Identifiers: ClinVar variation 5034868 (VCV005034868.1).

ClinVar aggregate classification (germline): Uncertain significance (1 of 4 stars; one submission).

Conditions:
Inborn genetic diseases. Identifiers: MedGen C0950123, MeSH D030342.

Submission:

Ambry Genetics
Classification: Uncertain significance for Inborn genetic diseases. Last evaluated: 2026-08-23. Review status: criteria provided, single submitter. Criteria: Ambry Variant Classification Scheme 2023. Collection method: clinical testing. Allele origin: germline.
Comment: The c.4105G>A (p.D1369N) alteration is located in exon 35 (coding exon 35) of the COL7A1 gene. This alteration results from a G to A substitution at nucleotide position 4105, causing the aspartic acid (D) at amino acid position 1369 to be replaced by an asparagine (N). Based on data from gnomAD, the A allele has an overall frequency of 0.003% (1/31358) total alleles studied. The highest observed frequency was 0.012% (1/8700) of African alleles. Based on insufficient or conflicting evidence, the clinical significance of this alteration remains unclear.